The following is an entry in ClinVar:

ClinVar aggregate classification (germline): Benign. Review status: criteria provided, multiple submitters, no conflicts (2 of 4 stars). 2 submissions from 2 submitters: Benign (2). Last evaluated 2018-01-13.

Conditions:
Retinitis pigmentosa (RP). Identifiers: Orphanet 791, MedGen C0035334, MeSH D012174, MONDO:0019200, OMIM 268000. Inheritance: Autosomal dominant, autosomal recessive and X linked inheritance.

Allele frequency attached by ClinVar (database versions not stated): 1000 Genomes Project 0.11621; 1000 Genomes Project 30x 0.11665; TOPMed 0.11699; gnomAD 0.11877 and 0.11943; gnomAD exomes 0.12885.
gnomAD v4.1: 34,419 of 277,554 alleles (12%); highest among the groups gnomAD compares: Middle Eastern, 16%; 2,253 homozygotes.

Submissions (3):

Illumina Laboratory Services, Illumina
Classification: Benign for Retinitis pigmentosa. Last evaluated: 2018-01-13. Review status: criteria provided, single submitter. Criteria: ICSL Variant Classification Criteria 13 December 2019. Collection method: clinical testing. Allele origin: germline.
Comment: This variant was observed in the ICSL laboratory as part of a predisposition screen in an ostensibly healthy population. It had not been previously curated by ICSL or reported in the Human Gene Mutation Database (HGMD: prior to June 1st, 2018), and was therefore a candidate for classification through an automated scoring system. Utilizing variant allele frequency, disease prevalence and penetrance estimates, and inheritance mode, an automated score was calculated to assess if this variant is too frequent to cause the disease. Based on the score and internal cut-off values, a variant classified as benign is not then subjected to further curation. The score for this variant resulted in a classification of benign for this disease.

Breakthrough Genomics
Classification: Benign. Review status: criteria provided, single submitter. Criteria: ACMG Guidelines, 2015. Collection method: not provided. Allele origin: germline. Inheritance: Unknown mechanism. Affected: yes.

Dr. Peter K. Rogan Lab, Western University
No classification provided (evidence only). Condition: Acute myeloid leukemia. Review status: no classification provided. Collection method: in vitro. Allele origin: not applicable. Functional consequence: retained intron. Not counted in ClinVar's aggregate classification.

NM_001012720.2(RGR):c.*416A>G

Gene: RGR (retinal G protein coupled receptor; plus strand). Cytogenetic location: 10q23.1.
Variant type: single nucleotide variant.
Coding change: c.*416A>G on transcript NM_001012720.2 (MANE Select); 416 bases downstream of the stop codon, A replaced by G.
Molecular consequence: 3 prime UTR variant.
Genome position (GRCh38, 1-based): chr10:84,259,055, A>G. VCF-style: chr10-84259055-A-G. GRCh37 (hg19) VCF-style: chr10-86018811-A-G.
Other names: NC_000010.10:g.86018811A>G; c.*416A>G (NM_001012722.2, NM_002921.4).
Identifiers: ClinVar variation 301327 (VCV000301327.7), dbSNP rs11817115, ClinGen allele CA10632693.